The following is an entry in ClinVar:

ClinVar aggregate classification (germline): Uncertain significance. Review status: criteria provided, multiple submitters, no conflicts (2 of 4 stars). 2 submissions from 2 submitters: Uncertain significance (2). Last evaluated 2024-10-12.

Conditions:
Inborn genetic diseases. Identifiers: MedGen C0950123, MeSH D030342.

gnomAD v4.1: 20 of 1,614,016 alleles (0.0012%); highest among the groups gnomAD compares: South Asian, 0.0055%; no homozygotes.

Submissions (2):

Ambry Genetics
Classification: Uncertain significance for Inborn genetic diseases. Last evaluated: 2024-10-12. Review status: criteria provided, single submitter. Criteria: Ambry Variant Classification Scheme 2023. Collection method: clinical testing. Allele origin: germline.

Labcorp Genetics (formerly Invitae), Labcorp
Classification: Uncertain significance. Last evaluated: 2024-08-09. Review status: criteria provided, single submitter. Criteria: Invitae Variant Classification Sherloc (09022015). Collection method: clinical testing. Allele origin: germline.
Comment: This sequence change replaces proline, which is neutral and non-polar, with leucine, which is neutral and non-polar, at codon 767 of the OCA2 protein (p.Pro767Leu). This variant is present in population databases (rs577826548, gnomAD 0.003%). This variant has not been reported in the literature in individuals affected with OCA2-related conditions. Advanced modeling of protein sequence and biophysical properties (such as structural, functional, and spatial information, amino acid conservation, physicochemical variation, residue mobility, and thermodynamic stability) performed at Invitae indicates that this missense variant is expected to disrupt OCA2 protein function with a positive predictive value of 80%. In summary, the available evidence is currently insufficient to determine the role of this variant in disease. Therefore, it has been classified as a Variant of Uncertain Significance.

NM_000275.3(OCA2):c.2300C>T (p.Pro767Leu)

Gene: OCA2 (OCA2 melanosomal transmembrane protein; minus strand). Cytogenetic location: 15q13.1.
Variant type: single nucleotide variant.
Coding change: c.2300C>T on transcript NM_000275.3 (MANE Select); coding-DNA position 2300, C replaced by T.
Protein change: p.Pro767Leu; replaces proline 767 with leucine.
Molecular consequence: missense variant.
Genome position (GRCh38, 1-based): chr15:27,851,420, G>A on the plus strand (C>T on the coding strand, the complement: OCA2 is on the minus strand). VCF-style: chr15-27851420-G-A. GRCh37 (hg19) VCF-style: chr15-28096566-G-A.
Other names: c.2228C>T, p.Pro743Leu (NM_001300984.2); c.2300C>T (NM_000275.2); short protein forms P743L, P767L.
Identifiers: ClinVar variation 3382745 (VCV003382745.3).
Genomic context (GRCh38, chr15:27,851,420, plus strand): 5'-CATGCAGTCAGCAGCCCCTTACCTCCCAGGCAAGCACCGAAGGCCAGGGCATACATGAGC[G>A]GCGGTGCGGGCAGGCCAACCTCAGGGTCGTGGCTCAGGTTCAGGAGCACGGGAATCTGTG-3'
Protein context (NP_000266.2, residues 757-777): HDPEVGLPAP[Pro767Leu]LMYALAFGAC